The following is an entry in ClinVar:

ClinVar aggregate classification (germline): Uncertain significance (1 of 4 stars; one submission).

Conditions:
Luscan-Lumish syndrome. Identifiers: Orphanet 597738, MedGen C4085873, MONDO:0014791, OMIM 616831.

Submission:

Victorian Clinical Genetics Services, Murdoch Childrens Research Institute
Classification: Uncertain significance for Luscan-Lumish syndrome. Last evaluated: 2020-10-19. Review status: criteria provided, single submitter. Criteria: ACMG Guidelines, 2015. Collection method: clinical testing. Allele origin: germline. Inheritance: Autosomal dominant inheritance.
Comment: Based on the classification scheme VCGS_Germline_v1.1.1, this variant is classified as 3C-VUS. Following criteria are met: 0102 - Loss-of-function is a known mechanism of disease for this gene. (N) 0107 - This gene is known to be associated with autosomal dominant disease. (N) 0200 - Variant is predicted to result in a missense amino acid change from isoleucine to phenylalanine (exon 3). (N) 0301 - Variant is absent from gnomAD (v2 and v3). (P) 0309 - An alternative amino acid change at the same position has been observed in gnomAD v3 (1 heterozygote, 0 homozygotes). (N) 0503 - Missense variant consistently predicted to be tolerated or not conserved in mammals with a minor amino acid change. (B) 0604 - Variant is not located in an established domain, motif, hotspot or informative constraint region. (N) 0705 - No comparable variants have previous evidence for pathogenicity. (N) 0807 - Variant has not previously been reported in a clinical context. (N) 0905 - No segregation evidence has been identified for this variant. (N) 1007 - No published functional evidence has been identified for this variant. (N) 1208 - Inheritance information for this variant is not currently available. (N) Legend: (P) - Pathogenic, (N) - Neutral, (B) - Benign

NM_014159.7(SETD2):c.358A>T (p.Ile120Phe)

Gene: SETD2 (SET domain containing 2, histone lysine methyltransferase; minus strand). Cytogenetic location: 3p21.31.
Variant type: single nucleotide variant.
Coding change: c.358A>T on transcript NM_014159.7 (MANE Select); coding-DNA position 358, A replaced by T.
Protein change: p.Ile120Phe; replaces isoleucine 120 with phenylalanine.
Molecular consequence: missense variant. On other transcripts: non-coding transcript variant (1).
Genome position (GRCh38, 1-based): chr3:47,124,278, T>A on the plus strand (A>T on the coding strand, the complement: SETD2 is on the minus strand). VCF-style: chr3-47124278-T-A. GRCh37 (hg19) VCF-style: chr3-47165768-T-A.
Other names: c.226A>T, p.Ile76Phe (NM_001349370.3); short protein forms I120F, I76F.
Identifiers: ClinVar variation 1806368 (VCV001806368.1), dbSNP rs2043237145, ClinGen allele CA352537482.